The following is an entry in ClinVar:

ClinVar aggregate classification (germline): Uncertain significance (1 of 4 stars; one submission).

Conditions:
Combined immunodeficiency due to DOCK8 deficiency (HIES2). Also called: HIES autosomal recessive; Hyper-IgE recurrent infection syndrome, autosomal recessive; HYPER-IgE RECURRENT INFECTION SYNDROME 2, AUTOSOMAL RECESSIVE; DOCK8 Deficiency; HYPER-IgE SYNDROME 2, AUTOSOMAL RECESSIVE, WITH RECURRENT INFECTIONS. Identifiers: Orphanet 217390, MedGen C4722305, MONDO:0009478, OMIM 243700.

Submission:

Labcorp Genetics (formerly Invitae), Labcorp
Classification: Uncertain significance for Combined immunodeficiency due to DOCK8 deficiency. Last evaluated: 2024-03-13. Review status: criteria provided, single submitter. Criteria: Invitae Variant Classification Sherloc (09022015). Collection method: clinical testing. Allele origin: germline.
Comment: This sequence change replaces tyrosine, which is neutral and polar, with aspartic acid, which is acidic and polar, at codon 2050 of the DOCK8 protein (p.Tyr2050Asp). This variant is not present in population databases (gnomAD no frequency). This variant has not been reported in the literature in individuals affected with DOCK8-related conditions. Advanced modeling of protein sequence and biophysical properties (such as structural, functional, and spatial information, amino acid conservation, physicochemical variation, residue mobility, and thermodynamic stability) performed at Invitae indicates that this missense variant is expected to disrupt DOCK8 protein function with a positive predictive value of 80%. In summary, the available evidence is currently insufficient to determine the role of this variant in disease. Therefore, it has been classified as a Variant of Uncertain Significance.

NM_203447.4(DOCK8):c.6148T>G (p.Tyr2050Asp)

Gene: DOCK8 (dedicator of cytokinesis 8; plus strand). Cytogenetic location: 9p24.3.
Variant type: single nucleotide variant.
Coding change: c.6148T>G on transcript NM_203447.4 (MANE Select); coding-DNA position 6148, T replaced by G.
Protein change: p.Tyr2050Asp; replaces tyrosine 2050 with aspartic acid.
Molecular consequence: missense variant.
Genome position (GRCh38, 1-based): chr9:463,596, T>G. VCF-style: chr9-463596-T-G. GRCh37 (hg19) VCF-style: chr9-463596-T-G.
Other names: c.5848T>G, p.Tyr1950Asp (NM_001190458.2); c.5944T>G, p.Tyr1982Asp (NM_001193536.2); short protein forms Y2050D, Y1950D, Y1982D.
Identifiers: ClinVar variation 3645007 (VCV003645007.2).